The following is an entry in ClinVar:

ClinVar aggregate classification (germline): Uncertain significance (1 of 4 stars; one submission).

Conditions:
Maturity-onset diabetes of the young (MODY). Also called: Maturity onset diabetes mellitus in young. Identifiers: Orphanet 552, MedGen C0342276, MONDO:0018911, HP:0004904.

Submission:

Clinical Genomics, Uppaluri K&H Personalized Medicine Clinic
Classification: Uncertain significance for Maturity-onset diabetes of the young. Review status: criteria provided, single submitter. Criteria: K & H Uppaluri Personalized Medicine Clinic Variant Classification & Assertion Criteria_Updated V.1. Collection method: research. Allele origin: unknown. Inheritance: Autosomal dominant inheritance.
Comment: Potent mutations in HNF4A are associated with poor insulin secretion in response to hyperglycemia. Associated with MODY1. Patients initially respond well to sulfonylureas but eventually become insulin dependent. However, more evidence is required to ascertain the role of this particular variant rs886056693 in MODY, yet.

Literature cited by the submitters: DOI 10.1159/000334532; PubMed 18268044; PubMed 17563455; PubMed 32583173; PubMed 35052457; PubMed 35118593.

NM_175914.5(HNF4A):c.*2677_*2683del

Gene: HNF4A (hepatocyte nuclear factor 4 alpha; plus strand). Cytogenetic location: 20q13.12.
Variant type: Deletion.
Coding change: c.*2677_*2683del on transcript NM_175914.5 (MANE Select); 2677 bases downstream of the stop codon through 2683 bases downstream of the stop codon, 7 bases deleted (CTCTTTT; older notation c.*2677_*2683delCTCTTTT).
Molecular consequence: 3 prime UTR variant.
Genome position (GRCh38, 1-based): chr20:44,432,342-44,432,348, CTCTTTT deleted; deleting any 7 consecutive bases within chr20:44,432,341-44,432,348 gives the same sequence; the c. name uses the placement nearest the transcript's 3' end. VCF-style (leftmost placement, unchanged base first): chr20-44432340-CTCTCTTT-C. GRCh37 (hg19) VCF-style: chr20-43060980-CTCTCTTT-C.
Other names: c.*2677_*2683del (NM_000457.6, NM_001030003.3, NM_001258355.2 and 3 more transcripts).
Identifiers: ClinVar variation 338477 (VCV000338477.6), dbSNP rs886056693, ClinGen allele CA10643914.